The following is an entry in ClinVar:

NM_001352913.2(PPP2R5C):c.1241T>C (p.Ile414Thr)

Gene: PPP2R5C (protein phosphatase 2 regulatory subunit B'gamma; plus strand). Cytogenetic location: 14q32.31.
Variant type: single nucleotide variant.
Coding change: c.1241T>C on transcript NM_001352913.2 (MANE Select); coding-DNA position 1241, T replaced by C.
Protein change: p.Ile414Thr; replaces isoleucine 414 with threonine.
Molecular consequence: missense variant.
Genome position (GRCh38, 1-based): chr14:101,906,454, T>C. VCF-style: chr14-101906454-T-C. GRCh37 (hg19) VCF-style: chr14-102372791-T-C.
Other names: c.1076T>C, p.Ile359Thr (NM_002719.4, NM_178586.3, NM_178587.3 and 1 more transcripts); c.1169T>C, p.Ile390Thr (NM_001161725.2); c.1241T>C, p.Ile414Thr (NM_001161726.2); c.1256T>C, p.Ile419Thr (NM_001352914.2); c.851T>C, p.Ile284Thr (NM_001352915.2, NM_001352916.2); short protein forms I284T, I359T, I390T, I414T, I419T.
Identifiers: ClinVar variation 4681060 (VCV004681060.1).

ClinVar aggregate classification (germline): Uncertain significance (1 of 4 stars; one submission).

gnomAD v4.1: 1 of 1,613,344 alleles (0.000062%); highest among the groups gnomAD compares: African/African-American, 0.0013%; no homozygotes.

Submission:

GeneDx
Classification: Uncertain significance. Last evaluated: 2025-06-30. Review status: criteria provided, single submitter. Criteria: GeneDx Variant Classification Process June 2021. Collection method: clinical testing. Allele origin: germline. Affected: yes.
Comment: Not observed at significant frequency in large population cohorts (gnomAD); In silico analysis supports that this missense variant has a deleterious effect on protein structure/function; Has not been previously published as pathogenic or benign to our knowledge